The following is an entry in ClinVar:

ClinVar aggregate classification (germline): Likely benign (1 of 4 stars; one submission).

gnomAD v4.1: 25 of 1,600,012 alleles (0.0016%); highest among the groups gnomAD compares: Non-Finnish European, 0.0021%; no homozygotes.

Submission:

CeGaT Center for Human Genetics Tuebingen
Classification: Likely benign. Last evaluated: 2026-06-01. Review status: criteria provided, single submitter. Criteria: CeGaT Center For Human Genetics Tuebingen Variant Classification Criteria Version 2. Collection method: clinical testing. Allele origin: germline. Affected: yes. Observed: 1 variant allele.
Comment: NPAP1: BP4, BP7

NM_018958.3(NPAP1):c.138T>C (p.Pro46=)

Gene: NPAP1 (nuclear pore associated protein 1; plus strand). Cytogenetic location: 15q11.2.
Variant type: single nucleotide variant.
Coding change: c.138T>C on transcript NM_018958.3 (MANE Select); coding-DNA position 138, T replaced by C.
Protein change: p.Pro46=; no amino-acid change (proline 46 retained).
Molecular consequence: synonymous variant.
Genome position (GRCh38, 1-based): chr15:24,676,005, T>C. VCF-style: chr15-24676005-T-C. GRCh37 (hg19) VCF-style: chr15-24921152-T-C.
Identifiers: ClinVar variation 4873149 (VCV004873149.2).